The following is an entry in ClinVar:

ClinVar aggregate classification (germline): Pathogenic (1 of 4 stars; one submission).

Submission:

Labcorp Genetics (formerly Invitae), Labcorp
Classification: Pathogenic. Last evaluated: 2022-12-19. Review status: criteria provided, single submitter. Criteria: Invitae Variant Classification Sherloc (09022015). Collection method: clinical testing. Allele origin: germline.
Comment: This variant has not been reported in the literature in individuals affected with TG-related conditions. This variant is not present in population databases (gnomAD no frequency). This sequence change creates a premature translational stop signal (p.Trp2043*) in the TG gene. It is expected to result in an absent or disrupted protein product. Loss-of-function variants in TG are known to be pathogenic (PMID: 19837936, 23164529). For these reasons, this variant has been classified as Pathogenic.

Literature cited by the submitters: PubMed 19837936; PubMed 23164529.

NM_003235.5(TG):c.6128G>A (p.Trp2043Ter)

Gene: TG (thyroglobulin; plus strand). Cytogenetic location: 8q24.22.
Variant type: single nucleotide variant.
Coding change: c.6128G>A on transcript NM_003235.5 (MANE Select); coding-DNA position 6128, G replaced by A.
Protein change: p.Trp2043Ter; replaces tryptophan 2043 with a stop codon.
Molecular consequence: nonsense.
Genome position (GRCh38, 1-based): chr8:132,972,670, G>A. VCF-style: chr8-132972670-G-A. GRCh37 (hg19) VCF-style: chr8-133984915-G-A.
Other names: short protein forms W2043*.
Identifiers: ClinVar variation 2822149 (VCV002822149.3), dbSNP rs1427839472, ClinGen allele CA372237453.